The following is an entry in ClinVar:

ClinVar aggregate classification (germline): Uncertain significance. Review status: criteria provided, multiple submitters, no conflicts (2 of 4 stars). 2 submissions from 2 submitters: Uncertain significance (2). Last evaluated 2026-09-14.

Conditions:
SEMA3D-related disorder. Also called: SEMA3D-related condition.

Allele frequency attached by ClinVar (database versions not stated): gnomAD exomes 0.00002; ExAC 0.00004; TOPMed 0.00004; gnomAD 0.00005.
gnomAD v4.1: 40 of 1,597,958 alleles (0.0025%); highest among the groups gnomAD compares: Middle Eastern, 0.067%; no homozygotes.

Submissions (2):

PreventionGenetics, part of Exact Sciences
Classification: Uncertain significance for SEMA3D-related condition. Last evaluated: 2026-09-14. Review status: criteria provided, single submitter. Criteria: ACMG Guidelines, 2015. Collection method: clinical testing. Allele origin: germline.
Comment: The SEMA3D c.295A>T variant is predicted to result in the amino acid substitution p.Asn99Tyr. To our knowledge, this variant has not been reported in the literature. This variant is reported in 0.0080% of alleles in individuals of European (Non-Finnish) descent in gnomAD. At this time, the clinical significance of this variant is uncertain due to the absence of conclusive functional and genetic evidence.

Ambry Genetics
Classification: Uncertain significance. Last evaluated: 2025-12-09. Review status: criteria provided, single submitter. Criteria: Ambry Variant Classification Scheme 2023. Collection method: clinical testing. Allele origin: germline.

NM_001384900.1(SEMA3D):c.295A>T (p.Asn99Tyr)

Gene: SEMA3D (semaphorin 3D; minus strand). Cytogenetic location: 7q21.11.
Variant type: single nucleotide variant.
Coding change: c.295A>T on transcript NM_001384900.1 (MANE Select); coding-DNA position 295, A replaced by T.
Protein change: p.Asn99Tyr; replaces asparagine 99 with tyrosine.
Molecular consequence: missense variant.
Genome position (GRCh38, 1-based): chr7:85,097,822, T>A on the plus strand (A>T on the coding strand, the complement: SEMA3D is on the minus strand). VCF-style: chr7-85097822-T-A. GRCh37 (hg19) VCF-style: chr7-84727138-T-A.
Other names: c.295A>T, p.Asn99Tyr (NM_001384901.1, NM_001384902.1, NM_001384903.1 and 1 more transcripts); short protein forms N99Y.
Identifiers: ClinVar variation 2634679 (VCV002634679.5), dbSNP rs769595578, ClinGen allele CA4323812.